The following is an entry in ClinVar:

NM_134261.3(RORA):c.1354G>C (p.Ala452Pro)

Genes: RORA (RAR related orphan receptor A; minus strand), RORA-AS1 (RORA antisense RNA 1; plus strand). Cytogenetic location: 15q22.2.
Variant type: single nucleotide variant.
Coding change: c.1354G>C on transcript NM_134261.3 (MANE Select); coding-DNA position 1354, G replaced by C.
Protein change: p.Ala452Pro; replaces alanine 452 with proline.
Molecular consequence: missense variant.
Genome position (GRCh38, 1-based): chr15:60,499,945, C>G on the plus strand (G>C on the coding strand, the complement: RORA is on the minus strand). VCF-style: chr15-60499945-C-G. GRCh37 (hg19) VCF-style: chr15-60792144-C-G.
Other names: c.1429G>C, p.Ala477Pro (NM_002943.4); c.1453G>C, p.Ala485Pro (NM_134260.3); c.1189G>C, p.Ala397Pro (NM_134262.3); short protein forms A397P, A452P, A477P, A485P.
Identifiers: ClinVar variation 3908037 (VCV003908037.2).

ClinVar aggregate classification (germline): Uncertain significance (1 of 4 stars; one submission).

Submission:

GeneDx
Classification: Uncertain significance. Last evaluated: 2026-06-25. Review status: criteria provided, single submitter. Criteria: GeneDx Variant Classification Process June 2021. Collection method: clinical testing. Allele origin: germline.
Comment: Not observed at significant frequency in large population cohorts (gnomAD); In silico analysis supports that this missense variant has a deleterious effect on protein structure/function; Has not been previously published as pathogenic or benign to our knowledge